The following is an entry in ClinVar:

ClinVar aggregate classification (germline): Pathogenic (1 of 4 stars; one submission).

Submission:

Labcorp Genetics (formerly Invitae), Labcorp
Classification: Pathogenic. Last evaluated: 2022-10-02. Review status: criteria provided, single submitter. Criteria: Invitae Variant Classification Sherloc (09022015). Collection method: clinical testing. Allele origin: germline.
Comment: For these reasons, this variant has been classified as Pathogenic. This variant has not been reported in the literature in individuals affected with TRIP4-related conditions. This variant is a gross deletion of the genomic region encompassing exon(s) 1 of the TRIP4 gene, which includes the initiator codon. This deletion extends beyond the assayed region for this gene and therefore may encompass additional genes. It is expected to result in an absent or disrupted protein product. Loss-of-function variants in TRIP4 are known to be pathogenic (PMID: 26924529, 27008887).

Literature cited by the submitters: PubMed 26924529; PubMed 27008887.

NC_000015.9:g.(?_64680063)_(64680183_?)del

Gene: TRIP4 (thyroid hormone receptor interactor 4; plus strand). Cytogenetic location: 15q22.31.
Variant type: Deletion.
Identifiers: ClinVar variation 2426282 (VCV002426282.4).